The following is an entry in ClinVar:

NM_032193.4(RNASEH2C):c.419C>A (p.Pro140Gln)

Gene: RNASEH2C (ribonuclease H2 subunit C; minus strand). Cytogenetic location: 11q13.1.
Variant type: single nucleotide variant.
Coding change: c.419C>A on transcript NM_032193.4 (MANE Select); coding-DNA position 419, C replaced by A.
Protein change: p.Pro140Gln; replaces proline 140 with glutamine.
Molecular consequence: missense variant.
Genome position (GRCh38, 1-based): chr11:65,720,094, G>T on the plus strand (C>A on the coding strand, the complement: RNASEH2C is on the minus strand). VCF-style: chr11-65720094-G-T. GRCh37 (hg19) VCF-style: chr11-65487565-G-T.
Other names: short protein forms P140Q.
Identifiers: ClinVar variation 2061031 (VCV002061031.4), dbSNP rs2495309143, ClinGen allele CA381297648.

ClinVar aggregate classification (germline): Uncertain significance (1 of 4 stars; one submission).

Conditions:
Aicardi-Goutieres syndrome 3. Identifiers: Orphanet 51, MedGen C1835916, MONDO:0012471, OMIM 610329.

Submission:

Labcorp Genetics (formerly Invitae), Labcorp
Classification: Uncertain significance for Aicardi-Goutieres syndrome 3. Last evaluated: 2021-12-25. Review status: criteria provided, single submitter. Criteria: Invitae Variant Classification Sherloc (09022015). Collection method: clinical testing. Allele origin: germline.
Comment: Algorithms developed to predict the effect of sequence changes on RNA splicing suggest that this variant may create or strengthen a splice site. In summary, the available evidence is currently insufficient to determine the role of this variant in disease. Therefore, it has been classified as a Variant of Uncertain Significance. Algorithms developed to predict the effect of missense changes on protein structure and function are either unavailable or do not agree on the potential impact of this missense change (SIFT: "Deleterious"; PolyPhen-2: "Probably Damaging"; Align-GVGD: "Class C0"). This variant has not been reported in the literature in individuals affected with RNASEH2C-related conditions. This variant is not present in population databases (gnomAD no frequency). This sequence change replaces proline, which is neutral and non-polar, with glutamine, which is neutral and polar, at codon 140 of the RNASEH2C protein (p.Pro140Gln).